The following is an entry in ClinVar:

ClinVar aggregate classification (germline): Pathogenic. Review status: reviewed by expert panel (3 of 4 stars). 11 submissions from 11 submitters: Pathogenic (1). 10 of the submissions do not count toward it. Last evaluated 2020-04-06.

Conditions:
Glycogen storage disease, type II (IOPD). Also called: CARDIOMEGALIA GLYCOGENICA DIFFUSA; Glycogen storage disease type 2; Acid maltase deficiency disease; Aglucosidase alfa; Deficiency of alpha-glucosidase; Deficiency of lysosomal alpha-glucosidase. Identifiers: Orphanet 365, MedGen C0017921, MONDO:0009290, OMIM 232300.

Allele frequency attached by ClinVar (database versions not stated): TOPMed below 0.00001; ExAC 0.00001; gnomAD 0.00001; gnomAD exomes 0.00001.
gnomAD v4.1: 23 of 1,613,038 alleles (0.0014%); highest among the groups gnomAD compares: South Asian, 0.0044%; no homozygotes.

Submissions 1 to 9 of 11:

ClinGen Lysosomal Storage Disorder Variant Curation Expert Panel
Classification: Pathogenic for Glycogen storage disease, type II. Last evaluated: 2020-04-06. Review status: reviewed by expert panel. Criteria: ClinGen LSD ACMG Specifications v1. Collection method: curation. Allele origin: germline. Inheritance: Autosomal recessive inheritance.
Comment: This nonsense variant, c.118C>T (p.Arg40Ter), is expected to result in a premature termination codon, nonsense mediated decay, and absence of gene product, meeting PVS1. The highest population minor allele frequency in gnomAD v2.1.1 is 0.00007 in the South Asian population, meeting PM2. The variant was found in compound heterozygosity with c.-32-13T>G, phase unknown, in two patients with Pompe disease who also meet the ClinGen LSD VCEP's PP4 criterion (PMID 22676651, 22958975), meeting PM3_Supporting. In addition, a large family has been reported with 7 affected siblings who are compound heterozygous for the variant and a variant of unknown significance, c.2647-7G>A (PMID 24107549). Additional cases with this variant have been reported but were not included because residual enzyme activity was not provided and therefore PP4 could not be assessed. There is a ClinVar entry for this variant (Variation ID: 426593, 2 star review status) with two submitters classifying the variant as pathogenic. In summary, this variant meets the criteria to be classified as pathogenic for Pompe disease. GAA-specific ACMG/AMP criteria applied, as specified by the ClinGen LSD VCEP: PVS1, PM2, PM3_Supporting, PP4.

Genomenon, Inc
Classification: Pathogenic for Glycogen storage disease, type II. Last evaluated: 2026-07-01. Review status: criteria provided, single submitter. Criteria: Genomenon Sequence Variant Interpretation Standards - Updated. Collection method: curation. Allele origin: germline. Affected: yes. Not counted in ClinVar's aggregate classification.
Comment: GAA p.Arg40Ter (c.118C>T) is a nonsense variant that introduces a premature stop codon at amino acid position 40 and is predicted to result in a truncated or absent protein product. This variant has been observed in at least one proband with a GAA-related disorder (PMID:39273088;39213226;38162137;37087815;31545528;20559845;30655185;9266392;29124014;17723315;20033296;22958975;24269976;25673129;22081099;24107549;22676651). It is absent or not present at a significant frequency in gnomAD. In conclusion, we classify GAA p.Arg40Ter (c.118C>T) as a pathogenic variant.

Labcorp Genetics (formerly Invitae), Labcorp
Classification: Pathogenic for Glycogen storage disease, type II. Last evaluated: 2025-07-08. Review status: criteria provided, single submitter. Criteria: Invitae Variant Classification Sherloc (09022015). Collection method: clinical testing. Allele origin: germline. Not counted in ClinVar's aggregate classification.
Comment: This sequence change creates a premature translational stop signal (p.Arg40*) in the GAA gene. It is expected to result in an absent or disrupted protein product. Loss-of-function variants in GAA are known to be pathogenic (PMID: 18425781, 22252923). This variant is present in population databases (rs767409395, gnomAD 0.007%). This premature translational stop signal has been observed in individual(s) with Pompe disease (PMID: 24107549, 29124014). In at least one individual the data is consistent with being in trans (on the opposite chromosome) from a pathogenic variant. It has also been observed to segregate with disease in related individuals. ClinVar contains an entry for this variant (Variation ID: 426593). For these reasons, this variant has been classified as Pathogenic.

GeneDx
Classification: Pathogenic. Last evaluated: 2025-06-15. Review status: criteria provided, single submitter. Criteria: GeneDx Variant Classification Process June 2021. Collection method: clinical testing. Allele origin: germline. Affected: yes. Not counted in ClinVar's aggregate classification.
Comment: Nonsense variant predicted to result in protein truncation or nonsense mediated decay in a gene for which loss of function is a known mechanism of disease; Not observed at significant frequency in large population cohorts (gnomAD); This variant is associated with the following publications: (PMID: 34530085, 33807278, 24107549, 29124014, 38162137, 38087756, 37235686, 17723315, 20559845, 9266392, 11071489, 32870709, 7603530)

Natera, Inc.
Classification: Pathogenic for Glycogen storage disease type II. Last evaluated: 2025-03-03. Review status: criteria provided, single submitter. Criteria: Natera Variant Classification Schema (03/2026). Collection method: clinical testing. Allele origin: germline. Not counted in ClinVar's aggregate classification.
Comment: The c.118C>T variant in GAA is a nonsense variant predicted to introduce a stop codon at amino acid 40. This variant is expected to result in nonsense mediated decay, truncation, or a dysfunctional protein product. This variant is rare in the general population with a frequency below the threshold expected for the associated phenotype(s). This variant has been observed in one or more individuals affected with the associated recessive disease, as either homozygous or compound heterozygous with a second variant (PMID: 24269976, 9266392, 24107549). Additionally, this variant has been observed to segregate in affected family members (PMID: 24107549). Given the available evidence, this variant is classified as Pathogenic.

Revvity Omics, Revvity
Classification: Pathogenic. Last evaluated: 2024-09-12. Review status: criteria provided, single submitter. Criteria: ACMG Guidelines, 2015. Collection method: clinical testing. Allele origin: germline. Not counted in ClinVar's aggregate classification.

Neuberg Centre For Genomic Medicine, NCGM
Classification: Pathogenic for Glycogen storage disease, type II. Last evaluated: 2024-02-01. Review status: criteria provided, single submitter. Criteria: ACMG Guidelines, 2015. Collection method: clinical testing. Allele origin: germline. Inheritance: Autosomal recessive inheritance. Not counted in ClinVar's aggregate classification.
Comment: The above variant has been previously reported in multiple individuals affected with Pompe disease. This variant has been observed to segregate with disease in related individuals (Napolitano F, et al., 2021; Ko JM, et al., 2018). Functional study showed that this variant resulted in reduced enzyme activity and impacts the function of the protein (Reuser AJ, et al., 1995). This variant is predicted to cause loss of normal protein function through protein truncation. Loss of function variants in this gene have been previously reported to be disease causing.

Servicio Canario de Salud, Hospital Universitario Nuestra Sra. de Candelaria
Classification: Pathogenic for Glycogen storage disease, type II. Last evaluated: 2022-04-22. Review status: criteria provided, single submitter. Criteria: ACMG Guidelines, 2015. Collection method: clinical testing. Allele origin: germline. Inheritance: Autosomal recessive inheritance. Affected: yes. Observed: 1 compound heterozygote. Not counted in ClinVar's aggregate classification.
Comment: Pompe Variant Database describes this phenotype in eight patients, all diagnosed between the ages of 20 and 60. It has been previously reported in patients with Pompe disease both in the homozygous and heterozygous state (PMID: 17723315, 24107549, 7603530, 29124014, 9266392, 22676651, 11071489, 20559845, 22958975). This variant is present in population databases (gnomAD allele frequency 0.00001428). ClinVar contains an entry for this variant (Variation ID: 426593) reviewed by expert panel. Functional studies in transfected COS cells and patient fibroblast cells showed that R40X resulted in reduced enzyme activity and impacts the function of the protein (PMID: 24150945). In summary, c.118C>T (p.Arg40Ter) GAA variant meets our criteria to be classified as pathogenic for Pompe disease in an autosomal recessive manner based upon functional evidence and its identification in numerous affected individuals.

Fulgent Genetics
Classification: Pathogenic for Glycogen storage disease, type II. Last evaluated: 2021-09-07. Review status: criteria provided, single submitter. Criteria: ACMG Guidelines, 2015. Collection method: clinical testing. Allele origin: unknown. Not counted in ClinVar's aggregate classification.

NM_000152.5(GAA):c.118C>T (p.Arg40Ter)

Gene: GAA (alpha glucosidase; plus strand). Cytogenetic location: 17q25.3.
Variant type: single nucleotide variant.
Coding change: c.118C>T on transcript NM_000152.5 (MANE Select); coding-DNA position 118, C replaced by T.
Protein change: p.Arg40Ter; replaces arginine 40 with a stop codon.
Molecular consequence: nonsense.
Genome position (GRCh38, 1-based): chr17:80,104,704, C>T. VCF-style: chr17-80104704-C-T. GRCh37 (hg19) VCF-style: chr17-78078503-C-T.
Other names: c.118C>T (NM_000152.4, LRG_673t1); c.118C>T, p.Arg40Ter (NM_001079803.3, NM_001079804.3); short protein forms R40*.
Identifiers: ClinVar variation 426593 (VCV000426593.31), dbSNP rs767409395, ClinGen allele CA8814791.